The following is an entry in ClinVar:

NM_173628.4(DNAH17):c.289C>T (p.Leu97Phe)

Gene: DNAH17 (dynein axonemal heavy chain 17; minus strand). Cytogenetic location: 17q25.3.
Variant type: single nucleotide variant.
Coding change: c.289C>T on transcript NM_173628.4 (MANE Select); coding-DNA position 289, C replaced by T.
Protein change: p.Leu97Phe; replaces leucine 97 with phenylalanine.
Molecular consequence: missense variant.
Genome position (GRCh38, 1-based): chr17:78,574,769, G>A on the plus strand (C>T on the coding strand, the complement: DNAH17 is on the minus strand). VCF-style: chr17-78574769-G-A. GRCh37 (hg19) VCF-style: chr17-76570851-G-A.
Other names: short protein forms L97F.
Identifiers: ClinVar variation 2245055 (VCV002245055.12), dbSNP rs144732617, ClinGen allele CA8805725.
Genomic context (GRCh38, chr17:78,574,769, plus strand): 5'-TCACCTCCTCCACCACCGCGATCAGCTGGTCCACGGGTGTGGGGCTGATGTCGCCGTAAA[G>A]GAGCCGGGCCCTGTAGTTGTCCTTGTTGATGTTCTCGGACTTTGTCTTGATGAAGTAAAC-3'
Protein context (NP_775899.3, residues 87-107): INKDNYRARL[Leu97Phe]YGDISPTPVD

ClinVar aggregate classification (germline): Conflicting classifications of pathogenicity. Review status: criteria provided, conflicting classifications (1 of 4 stars). 3 submissions from 3 submitters: Uncertain significance (1); Likely benign (1). 1 of the submissions does not count toward it. Last evaluated 2025-07-01.

Conditions:
Inborn genetic diseases. Identifiers: MedGen C0950123, MeSH D030342.
DNAH17-related disorder. Also called: DNAH17-related condition.

Allele frequency attached by ClinVar (database versions not stated): gnomAD exomes 0.00021; ExAC 0.00065; 1000 Genomes Project 0.00220; gnomAD 0.00220; ESP Exome Variant Server 0.00231; 1000 Genomes Project 30x 0.00250; TOPMed 0.00256.
gnomAD v4.1: 660 of 1,613,884 alleles (0.041%); highest among the groups gnomAD compares: African/African-American, 0.79%; 1 homozygote.

Submissions (3):

CeGaT Center for Human Genetics Tuebingen
Classification: Likely benign. Last evaluated: 2025-07-01. Review status: criteria provided, single submitter. Criteria: CeGaT Center For Human Genetics Tuebingen Variant Classification Criteria Version 2. Collection method: clinical testing. Allele origin: germline. Affected: yes. Observed: 1 variant allele.
Comment: DNAH17: BP4, BS2

Ambry Genetics
Classification: Uncertain significance for Inborn genetic diseases. Last evaluated: 2024-01-16. Review status: criteria provided, single submitter. Criteria: Ambry Variant Classification Scheme 2023. Collection method: clinical testing. Allele origin: germline.

PreventionGenetics, part of Exact Sciences
Classification: Benign for DNAH17-related condition. Last evaluated: 2019-05-24. Review status: no assertion criteria provided. Collection method: clinical testing. Allele origin: germline. Not counted in ClinVar's aggregate classification.
Comment: This variant is classified as benign based on ACMG/AMP sequence variant interpretation guidelines (Richards et al. 2015 PMID: 25741868, with internal and published modifications).